The following is an entry in ClinVar:

NM_014967.5(FAN1):c.2830T>C (p.Cys944Arg)

Genes: FAN1 (FANCD2 and FANCI associated nuclease 1; plus strand), MTMR10 (myotubularin related protein 10; minus strand). Cytogenetic location: 15q13.3.
Variant type: single nucleotide variant.
Coding change: c.2830T>C on transcript NM_014967.5 (MANE Select); coding-DNA position 2830, T replaced by C.
Protein change: p.Cys944Arg; replaces cysteine 944 with arginine.
Molecular consequence: missense variant.
Genome position (GRCh38, 1-based): chr15:30,930,585, T>C. VCF-style: chr15-30930585-T-C. GRCh37 (hg19) VCF-style: chr15-31222788-T-C.
Other names: p.Cys944Arg; short protein forms C944R.
Identifiers: ClinVar variation 3577057 (VCV003577057.2).

ClinVar aggregate classification (germline): Uncertain significance. Review status: criteria provided, multiple submitters, no conflicts (2 of 4 stars). 2 submissions from 2 submitters: Uncertain significance (2). Last evaluated 2025-09-09.

Conditions:
Karyomegalic interstitial nephritis. Identifiers: Orphanet 401996, MedGen C3553774, MONDO:0013898, OMIM 614817.

gnomAD v4.1: 20 of 1,613,120 alleles (0.0012%); highest among the groups gnomAD compares: African/African-American, 0.02%; no homozygotes.

Submissions (2):

Mayo Clinic Laboratories, Mayo Clinic
Classification: Uncertain significance. Last evaluated: 2025-09-09. Review status: criteria provided, single submitter. Criteria: ACMG Guidelines, 2015. Collection method: clinical testing. Allele origin: germline. Observed: 1 variant allele.
Comment: PP3_moderate, PM2_supporting

Fulgent Genetics
Classification: Uncertain significance for Karyomegalic interstitial nephritis. Last evaluated: 2024-05-10. Review status: criteria provided, single submitter. Criteria: ACMG Guidelines, 2015. Collection method: clinical testing. Allele origin: germline.